The following is an entry in ClinVar:

ClinVar aggregate classification (germline): Uncertain significance (1 of 4 stars; one submission).

Conditions:
Epileptic encephalopathy. Identifiers: MedGen C0543888, HP:0200134.

Allele frequency attached by ClinVar (database versions not stated): gnomAD exomes 0.00002 and 0.00004; ExAC 0.00003; TOPMed 0.00005; ESP Exome Variant Server 0.00015.
gnomAD v4.1: 62 of 1,604,540 alleles (0.0039%); highest among the groups gnomAD compares: Non-Finnish European, 0.0048%; no homozygotes.

Submission:

Labcorp Genetics (formerly Invitae), Labcorp
Classification: Uncertain significance for Epileptic encephalopathy. Last evaluated: 2025-07-13. Review status: criteria provided, single submitter. Criteria: Invitae Variant Classification Sherloc (09022015). Collection method: clinical testing. Allele origin: germline.
Comment: This sequence change replaces isoleucine, which is neutral and non-polar, with valine, which is neutral and non-polar, at codon 2250 of the FASN protein (p.Ile2250Val). This variant is present in population databases (rs376275854, gnomAD 0.005%). This variant has not been reported in the literature in individuals affected with FASN-related conditions. ClinVar contains an entry for this variant (Variation ID: 1052700). An algorithm developed to predict the effect of missense changes on protein structure and function (PolyPhen-2) suggests that this variant is likely to be disruptive. In summary, the available evidence is currently insufficient to determine the role of this variant in disease. Therefore, it has been classified as a Variant of Uncertain Significance.

NM_004104.5(FASN):c.6748A>G (p.Ile2250Val)

Gene: FASN (fatty acid synthase; minus strand). Cytogenetic location: 17q25.3.
Variant type: single nucleotide variant.
Coding change: c.6748A>G on transcript NM_004104.5 (MANE Select); coding-DNA position 6748, A replaced by G.
Protein change: p.Ile2250Val; replaces isoleucine 2250 with valine.
Molecular consequence: missense variant.
Genome position (GRCh38, 1-based): chr17:82,080,770, T>C on the plus strand (A>G on the coding strand, the complement: FASN is on the minus strand). VCF-style: chr17-82080770-T-C. GRCh37 (hg19) VCF-style: chr17-80038646-T-C.
Other names: short protein forms I2250V.
Identifiers: ClinVar variation 1052700 (VCV001052700.9), dbSNP rs376275854, ClinGen allele CA8851203.